The following is an entry in ClinVar:

NM_004859.4(CLTC):c.2926C>T (p.Gln976Ter)

Gene: CLTC (clathrin heavy chain; plus strand). Cytogenetic location: 17q23.1.
Variant type: single nucleotide variant.
Coding change: c.2926C>T on transcript NM_004859.4 (MANE Select); coding-DNA position 2926, C replaced by T.
Protein change: p.Gln976Ter; replaces glutamine 976 with a stop codon.
Molecular consequence: nonsense.
Genome position (GRCh38, 1-based): chr17:59,680,918, C>T. VCF-style: chr17-59680918-C-T. GRCh37 (hg19) VCF-style: chr17-57758279-C-T.
Other names: c.2938C>T, p.Gln980Ter (NM_001288653.2); short protein forms Q976*, Q980*.
Identifiers: ClinVar variation 4976466 (VCV004976466.1).

ClinVar aggregate classification (germline): Pathogenic (1 of 4 stars; one submission).

Submission:

GeneDx
Classification: Pathogenic. Last evaluated: 2026-02-10. Review status: criteria provided, single submitter. Criteria: GeneDx Variant Classification Process June 2021. Collection method: clinical testing. Allele origin: germline.
Comment: Nonsense variant predicted to result in protein truncation or nonsense mediated decay in a gene for which loss of function is a known mechanism of disease; Not observed at significant frequency in large population cohorts (gnomAD); Has not been previously published as pathogenic or benign to our knowledge